The following is an entry in ClinVar:

NM_001080467.3(MYO5B):c.5094C>G (p.Leu1698=)

Genes: MYO5B (myosin VB; minus strand), SNHG22 (small nucleolar RNA host gene 22; plus strand). Cytogenetic location: 18q21.1.
Variant type: single nucleotide variant.
Coding change: c.5094C>G on transcript NM_001080467.3 (MANE Select); coding-DNA position 5094, C replaced by G.
Protein change: p.Leu1698=; no amino-acid change (leucine 1698 retained).
Molecular consequence: synonymous variant.
Genome position (GRCh38, 1-based): chr18:49,837,561, G>C on the plus strand (C>G on the coding strand, the complement: MYO5B is on the minus strand). VCF-style: chr18-49837561-G-C. GRCh37 (hg19) VCF-style: chr18-47363931-G-C.
Other names: c.5094C>G (NM_001080467.2).
Identifiers: ClinVar variation 2648713 (VCV002648713.25), dbSNP rs77840018, ClinGen allele CA8960152.

ClinVar aggregate classification (germline): Likely benign. Review status: criteria provided, single submitter (1 of 4 stars). 2 submissions from 2 submitters: Likely benign (1). 1 of the submissions does not count toward it. Last evaluated 2023-08-01.

Conditions:
MYO5B-related disorder. Also called: MYO5B-related condition.

Submissions (2):

CeGaT Center for Human Genetics Tuebingen
Classification: Likely benign. Last evaluated: 2023-08-01. Review status: criteria provided, single submitter. Criteria: CeGaT Center For Human Genetics Tuebingen Variant Classification Criteria Version 2. Collection method: clinical testing. Allele origin: germline. Affected: yes. Observed: 1 variant allele.
Comment: MYO5B: BP4, BP7

PreventionGenetics, part of Exact Sciences
Classification: Benign for MYO5B-related condition. Last evaluated: 2023-06-22. Review status: no assertion criteria provided. Collection method: clinical testing. Allele origin: germline. Not counted in ClinVar's aggregate classification.
Comment: This variant is classified as benign based on ACMG/AMP sequence variant interpretation guidelines (Richards et al. 2015 PMID: 25741868, with internal and published modifications).